The following is an entry in ClinVar:

ClinVar aggregate classification (germline): Uncertain significance (1 of 4 stars; one submission).

Conditions:
Inborn genetic diseases. Identifiers: MedGen C0950123, MeSH D030342.

Submission:

Ambry Genetics
Classification: Uncertain significance for Inborn genetic diseases. Last evaluated: 2026-05-15. Review status: criteria provided, single submitter. Criteria: Ambry Variant Classification Scheme 2023. Collection method: clinical testing. Allele origin: germline.
Comment: The p.D488Y variant (also known as c.1462G>T), located in coding exon 8 of the PIK3CA gene, results from a G to T substitution at nucleotide position 1462. The aspartic acid at codon 488 is replaced by tyrosine, an amino acid with highly dissimilar properties. This amino acid position is conserved. In addition, this alteration is predicted to be deleterious by in silico analysis. Based on the available evidence, the clinical significance of this variant remains unclear.

NM_006218.4(PIK3CA):c.1462G>T (p.Asp488Tyr)

Gene: PIK3CA (phosphatidylinositol-4,5-bisphosphate 3-kinase catalytic subunit alpha; plus strand). Cytogenetic location: 3q26.32.
Variant type: single nucleotide variant.
Coding change: c.1462G>T on transcript NM_006218.4 (MANE Select); coding-DNA position 1462, G replaced by T.
Protein change: p.Asp488Tyr; replaces aspartic acid 488 with tyrosine.
Molecular consequence: missense variant.
Genome position (GRCh38, 1-based): chr3:179,210,488, G>T. VCF-style: chr3-179210488-G-T. GRCh37 (hg19) VCF-style: chr3-178928276-G-T.
Other names: short protein forms D488Y.
Identifiers: ClinVar variation 4861882 (VCV004861882.1).
Genomic context (GRCh38, chr3:179,210,488, plus strand): 5'-TAGGAAACTCCATGCTTAGAGTTGGAGTTTGACTGGTTCAGCAGTGTGGTAAAGTTCCCA[G>T]ATATGTCAGTGATTGAAGAGCATGCCAATTGGTCTGTATCCCGAGAAGCAGGATTTAGCT-3'
Protein context (NP_006209.2, residues 478-498): DWFSSVVKFP[Asp488Tyr]MSVIEEHANW